The following is an entry in ClinVar:

NM_138694.4(PKHD1):c.10844G>A (p.Arg3615Lys)

Gene: PKHD1 (PKHD1 ciliary IPT domain containing fibrocystin/polyductin; minus strand). Cytogenetic location: 6p12.3.
Variant type: single nucleotide variant.
Coding change: c.10844G>A on transcript NM_138694.4 (MANE Select); coding-DNA position 10844, G replaced by A.
Protein change: p.Arg3615Lys; replaces arginine 3615 with lysine.
Molecular consequence: missense variant.
Genome position (GRCh38, 1-based): chr6:51,659,282, C>T on the plus strand (G>A on the coding strand, the complement: PKHD1 is on the minus strand). VCF-style: chr6-51659282-C-T. GRCh37 (hg19) VCF-style: chr6-51524080-C-T.
Other names: c.10844G>A (NM_138694.3); short protein forms R3615K.
Identifiers: ClinVar variation 2189952 (VCV002189952.5), dbSNP rs776969998, ClinGen allele CA3851007.

ClinVar aggregate classification (germline): Uncertain significance. Review status: criteria provided, multiple submitters, no conflicts (2 of 4 stars). 4 submissions from 4 submitters: Uncertain significance (4). Last evaluated 2025-08-04.

Conditions:
Inborn genetic diseases. Identifiers: MedGen C0950123, MeSH D030342.
Autosomal recessive polycystic kidney disease (ARPKD). Also called: AR polycystic kidney disease. Identifiers: Orphanet 731, Orphanet 8378, MedGen C0085548, MeSH D017044, MONDO:0009889.
Polycystic kidney disease 4 (PKD4). Also called: POLYCYSTIC KIDNEY AND HEPATIC DISEASE 1; POLYCYSTIC KIDNEY DISEASE, INFANTILE, TYPE I; POLYCYSTIC KIDNEY DISEASE 4 WITH OR WITHOUT POLYCYSTIC LIVER DISEASE; PKD3; Autosomal Recessive Polycystic Kidney Disease – PKHD1. Identifiers: MedGen C4540575, MONDO:0033004, OMIM 263200.

Allele frequency attached by ClinVar (database versions not stated): ExAC 0.00001; gnomAD 0.00001; TOPMed 0.00002.
gnomAD v4.1: 15 of 1,613,730 alleles (0.00093%); highest among the groups gnomAD compares: African/African-American, 0.013%; no homozygotes.

Submissions (4):

Ambry Genetics
Classification: Uncertain significance for Inborn genetic diseases. Last evaluated: 2025-08-04. Review status: criteria provided, single submitter. Criteria: Ambry Variant Classification Scheme 2023. Collection method: clinical testing. Allele origin: germline.

Labcorp Genetics (formerly Invitae), Labcorp
Classification: Uncertain significance for Autosomal recessive polycystic kidney disease. Last evaluated: 2025-06-12. Review status: criteria provided, single submitter. Criteria: Invitae Variant Classification Sherloc (09022015). Collection method: clinical testing. Allele origin: germline.
Comment: This sequence change replaces arginine, which is basic and polar, with lysine, which is basic and polar, at codon 3615 of the PKHD1 protein (p.Arg3615Lys). This variant is present in population databases (rs776969998, gnomAD 0.01%). This variant has not been reported in the literature in individuals affected with PKHD1-related conditions. ClinVar contains an entry for this variant (Variation ID: 2189952). Invitae Evidence Modeling of protein sequence and biophysical properties (such as structural, functional, and spatial information, amino acid conservation, physicochemical variation, residue mobility, and thermodynamic stability) indicates that this missense variant is not expected to disrupt PKHD1 protein function with a negative predictive value of 95%. In summary, the available evidence is currently insufficient to determine the role of this variant in disease. Therefore, it has been classified as a Variant of Uncertain Significance.

GeneDx
Classification: Uncertain significance. Last evaluated: 2024-10-28. Review status: criteria provided, single submitter. Criteria: GeneDx Variant Classification Process June 2021. Collection method: clinical testing. Allele origin: germline. Affected: yes.
Comment: Not observed at significant frequency in large population cohorts (gnomAD); In silico analysis indicates that this missense variant does not alter protein structure/function; Has not been previously published as pathogenic or benign to our knowledge

Fulgent Genetics
Classification: Uncertain significance for Polycystic kidney disease 4. Last evaluated: 2024-01-22. Review status: criteria provided, single submitter. Criteria: ACMG Guidelines, 2015. Collection method: clinical testing. Allele origin: germline.